The following is an entry in ClinVar:

NM_001282874.2(SMARCA1):c.749A>G (p.Glu250Gly)

Gene: SMARCA1 (SNF2 related chromatin remodeling ATPase 1; minus strand). Cytogenetic location: Xq26.1.
Variant type: single nucleotide variant.
Coding change: c.749A>G on transcript NM_001282874.2 (MANE Select); coding-DNA position 749, A replaced by G.
Protein change: p.Glu250Gly; replaces glutamic acid 250 with glycine.
Molecular consequence: missense variant.
Genome position (GRCh38, 1-based): chrX:129,511,865, T>C on the plus strand (A>G on the coding strand, the complement: SMARCA1 is on the minus strand). VCF-style: chrX-129511865-T-C. GRCh37 (hg19) VCF-style: chrX-128645842-T-C.
Other names: c.749A>G, p.Glu250Gly (NM_001282875.2, NM_001378261.1, NM_001378262.1 and 3 more transcripts); short protein forms E250G.
Identifiers: ClinVar variation 4795456 (VCV004795456.1).

ClinVar aggregate classification (germline): Uncertain significance (1 of 4 stars; one submission).

Submission:

GeneDx
Classification: Uncertain significance. Last evaluated: 2025-08-12. Review status: criteria provided, single submitter. Criteria: GeneDx Variant Classification Process June 2021. Collection method: clinical testing. Allele origin: germline. Affected: yes.
Comment: Not observed at significant frequency in large population cohorts (gnomAD); In silico analysis supports that this missense variant has a deleterious effect on protein structure/function; Has not been previously published as pathogenic or benign to our knowledge